The following is an entry in ClinVar:

ClinVar aggregate classification (germline): Uncertain significance (1 of 4 stars; one submission).

Conditions:
Dilated cardiomyopathy 1DD (CMD1DD). Identifiers: Orphanet 154, MedGen C2750995, MONDO:0013168, OMIM 613172.

Submission:

Labcorp Genetics (formerly Invitae), Labcorp
Classification: Uncertain significance for Dilated cardiomyopathy 1DD. Last evaluated: 2024-03-31. Review status: criteria provided, single submitter. Criteria: Invitae Variant Classification Sherloc (09022015). Collection method: clinical testing. Allele origin: germline.
Comment: This sequence change replaces serine, which is neutral and polar, with proline, which is neutral and non-polar, at codon 635 of the RBM20 protein (p.Ser635Pro). This variant is not present in population databases (gnomAD no frequency). This variant has not been reported in the literature in individuals affected with RBM20-related conditions. ClinVar contains an entry for this variant (Variation ID: 947027). Advanced modeling of protein sequence and biophysical properties (such as structural, functional, and spatial information, amino acid conservation, physicochemical variation, residue mobility, and thermodynamic stability) has been performed at Invitae for this missense variant, however the output from this modeling did not meet the statistical confidence thresholds required to predict the impact of this variant on RBM20 protein function. In summary, the available evidence is currently insufficient to determine the role of this variant in disease. Therefore, it has been classified as a Variant of Uncertain Significance.

NM_001134363.3(RBM20):c.1903T>C (p.Ser635Pro)

Gene: RBM20 (RNA binding motif protein 20; plus strand). Cytogenetic location: 10q25.2.
Variant type: single nucleotide variant.
Coding change: c.1903T>C on transcript NM_001134363.3 (MANE Select); coding-DNA position 1903, T replaced by C.
Protein change: p.Ser635Pro; replaces serine 635 with proline.
Molecular consequence: missense variant.
Genome position (GRCh38, 1-based): chr10:110,812,300, T>C. VCF-style: chr10-110812300-T-C. GRCh37 (hg19) VCF-style: chr10-112572058-T-C.
Other names: short protein forms S635P.
Identifiers: ClinVar variation 947027 (VCV000947027.9), dbSNP rs1844777857, ClinGen allele CA378370296.